The following is an entry in ClinVar:

ClinVar aggregate classification (germline): Uncertain significance (1 of 4 stars; one submission).

Submission:

Labcorp Genetics (formerly Invitae), Labcorp
Classification: Uncertain significance. Last evaluated: 2022-06-27. Review status: criteria provided, single submitter. Criteria: Invitae Variant Classification Sherloc (09022015). Collection method: clinical testing. Allele origin: germline.
Comment: In summary, the available evidence is currently insufficient to determine the role of this variant in disease. Therefore, it has been classified as a Variant of Uncertain Significance. Advanced modeling of protein sequence and biophysical properties (such as structural, functional, and spatial information, amino acid conservation, physicochemical variation, residue mobility, and thermodynamic stability) performed at Invitae indicates that this missense variant is not expected to disrupt LRP2 protein function. This variant has not been reported in the literature in individuals affected with LRP2-related conditions. This variant is not present in population databases (gnomAD no frequency). This sequence change replaces valine, which is neutral and non-polar, with leucine, which is neutral and non-polar, at codon 2333 of the LRP2 protein (p.Val2333Leu).

NM_004525.3(LRP2):c.6997G>C (p.Val2333Leu)

Gene: LRP2 (LDL receptor related protein 2; minus strand). Cytogenetic location: 2q31.1.
Variant type: single nucleotide variant.
Coding change: c.6997G>C on transcript NM_004525.3 (MANE Select); coding-DNA position 6997, G replaced by C.
Protein change: p.Val2333Leu; replaces valine 2333 with leucine.
Molecular consequence: missense variant.
Genome position (GRCh38, 1-based): chr2:169,206,723, C>G on the plus strand (G>C on the coding strand, the complement: LRP2 is on the minus strand). VCF-style: chr2-169206723-C-G. GRCh37 (hg19) VCF-style: chr2-170063233-C-G.
Other names: short protein forms V2333L.
Identifiers: ClinVar variation 2011523 (VCV002011523.4), dbSNP rs2545809367, ClinGen allele CA349171780.